The following is an entry in ClinVar:

ClinVar aggregate classification (germline): Uncertain significance. Review status: criteria provided, multiple submitters, no conflicts (2 of 4 stars). 2 submissions from 2 submitters: Uncertain significance (2). Last evaluated 2025-12-02.

Conditions:
Cardiovascular phenotype. Identifiers: MedGen CN230736.
Hypertrophic cardiomyopathy 26. Also called: Cardiomyopathy, familial hypertrophic, 26. Identifiers: Orphanet 75249, MedGen C4310749, MONDO:0014883, OMIM 617047.
Distal myopathy with posterior leg and anterior hand involvement. Also called: WILLIAMS DISTAL MYOPATHY. Identifiers: Orphanet 63273, MedGen C3279722, MONDO:0013550, OMIM 614065.
Myofibrillar myopathy 5. Also called: Filaminopathy (type); FILAMINOPATHY, AUTOSOMAL DOMINANT. Identifiers: Orphanet 171445, MedGen C1836050, MONDO:0012289, OMIM 609524.

Allele frequency attached by ClinVar (database versions not stated): ExAC 0.00001; TOPMed 0.00002; gnomAD 0.00003; 1000 Genomes Project 0.00020; 1000 Genomes Project 30x 0.00031.
gnomAD v4.1: 4 of 1,613,712 alleles (0.00025%); highest among the groups gnomAD compares: Admixed American, 0.0067%; no homozygotes.

Submissions (2):

Labcorp Genetics (formerly Invitae), Labcorp
Classification: Uncertain significance for Distal myopathy with posterior leg and anterior hand involvement; Myofibrillar myopathy 5; Hypertrophic cardiomyopathy 26. Last evaluated: 2025-12-02. Review status: criteria provided, single submitter. Criteria: Invitae Variant Classification Sherloc (09022015). Collection method: clinical testing. Allele origin: germline.
Comment: This sequence change replaces alanine, which is neutral and non-polar, with valine, which is neutral and non-polar, at codon 1318 of the FLNC protein (p.Ala1318Val). This variant is present in population databases (rs181276444, gnomAD 0.003%). This variant has not been reported in the literature in individuals affected with FLNC-related conditions. ClinVar contains an entry for this variant (Variation ID: 1736454). Invitae Evidence Modeling of protein sequence and biophysical properties (such as structural, functional, and spatial information, amino acid conservation, physicochemical variation, residue mobility, and thermodynamic stability) has been performed for this missense variant. However, the output from this modeling did not meet the statistical confidence thresholds required to predict the impact of this variant on FLNC protein function. In summary, the available evidence is currently insufficient to determine the role of this variant in disease. Therefore, it has been classified as a Variant of Uncertain Significance.

Ambry Genetics
Classification: Uncertain significance for Cardiovascular phenotype. Last evaluated: 2020-02-20. Review status: criteria provided, single submitter. Criteria: Ambry Variant Classification Scheme 2023. Collection method: clinical testing. Allele origin: germline.
Comment: The p.A1318V variant (also known as c.3953C>T), located in coding exon 22 of the FLNC gene, results from a C to T substitution at nucleotide position 3953. The alanine at codon 1318 is replaced by valine, an amino acid with similar properties. This amino acid position is not well conserved in available vertebrate species. In addition, the in silico prediction for this alteration is inconclusive. Since supporting evidence is limited at this time, the clinical significance of this alteration remains unclear.

NM_001458.5(FLNC):c.3953C>T (p.Ala1318Val)

Gene: FLNC (filamin C; plus strand). Cytogenetic location: 7q32.1.
Variant type: single nucleotide variant.
Coding change: c.3953C>T on transcript NM_001458.5 (MANE Select); coding-DNA position 3953, C replaced by T.
Protein change: p.Ala1318Val; replaces alanine 1318 with valine.
Molecular consequence: missense variant.
Genome position (GRCh38, 1-based): chr7:128,846,152, C>T. VCF-style: chr7-128846152-C-T. GRCh37 (hg19) VCF-style: chr7-128486206-C-T.
Other names: c.3953C>T, p.Ala1318Val (NM_001127487.2); short protein forms A1318V.
Identifiers: ClinVar variation 1736454 (VCV001736454.7), dbSNP rs181276444, ClinGen allele CA4475186.